The following is an entry in ClinVar:

NM_001127178.3(PIGG):c.532G>A (p.Asp178Asn)

Gene: PIGG (phosphatidylinositol glycan anchor biosynthesis class G (EMM blood group); plus strand). Cytogenetic location: 4p16.3.
Variant type: single nucleotide variant.
Coding change: c.532G>A on transcript NM_001127178.3 (MANE Select); coding-DNA position 532, G replaced by A.
Protein change: p.Asp178Asn; replaces aspartic acid 178 with asparagine.
Molecular consequence: missense variant. On other transcripts: 5 prime UTR variant (4), non-coding transcript variant (10), intron variant (1).
Genome position (GRCh38, 1-based): chr4:505,889, G>A. VCF-style: chr4-505889-G-A. GRCh37 (hg19) VCF-style: chr4-499678-G-A.
Other names: c.265G>A, p.Asp89Asn (NM_001289051.2, NM_001289053.2, NM_001289057.2 and 2 more transcripts); c.166G>A, p.Asp56Asn (NM_001289055.2); c.-356G>A (NM_001345988.2); c.532G>A, p.Asp178Asn (NM_001345989.2, NM_017733.5); c.-1094G>A (NM_001345990.2); c.-956G>A (NM_001345991.2); c.-681G>A (NM_001345994.2); c.361-2940G>A (NM_001289052.2); short protein forms D89N, D178N, D56N.
Identifiers: ClinVar variation 1367606 (VCV001367606.8), dbSNP rs1553878870, ClinGen allele CA355895797.

ClinVar aggregate classification (germline): Uncertain significance (1 of 4 stars; one submission).

Conditions:
Intellectual disability, autosomal recessive 53 (NEDHSCA). Also called: GLYCOSYLPHOSPHATIDYLINOSITOL BIOSYNTHESIS DEFECT 13; Mental retardation, autosomal recessive 53; NEURODEVELOPMENTAL DISORDER WITH OR WITHOUT HYPOTONIA, SEIZURES, AND CEREBELLAR ATROPHY. Identifiers: Orphanet 488635, MedGen C4310794, MONDO:0014832, OMIM 616917.

Submission:

Labcorp Genetics (formerly Invitae), Labcorp
Classification: Uncertain significance for Intellectual disability, autosomal recessive 53. Last evaluated: 2022-02-09. Review status: criteria provided, single submitter. Criteria: Invitae Variant Classification Sherloc (09022015). Collection method: clinical testing. Allele origin: germline.
Comment: In summary, the available evidence is currently insufficient to determine the role of this variant in disease. Therefore, it has been classified as a Variant of Uncertain Significance. Algorithms developed to predict the effect of missense changes on protein structure and function are either unavailable or do not agree on the potential impact of this missense change (SIFT: "Tolerated"; PolyPhen-2: "Probably Damaging"; Align-GVGD: "Class C0"). This sequence change replaces aspartic acid, which is acidic and polar, with asparagine, which is neutral and polar, at codon 178 of the PIGG protein (p.Asp178Asn). This variant is not present in population databases (gnomAD no frequency). This variant has not been reported in the literature in individuals affected with PIGG-related conditions.